The following is an entry in ClinVar:

ClinVar aggregate classification (germline): Conflicting classifications of pathogenicity. Review status: criteria provided, conflicting classifications (1 of 4 stars). 2 submissions from 2 submitters: Uncertain significance (1); Likely benign (1). Last evaluated 2024-02-05.

Conditions:
Inborn genetic diseases. Identifiers: MedGen C0950123, MeSH D030342.

Allele frequency attached by ClinVar (database versions not stated): TOPMed 0.00001; gnomAD 0.00004; gnomAD exomes 0.00008; ExAC 0.00009.
gnomAD v4.1: 114 of 1,524,882 alleles (0.0075%); highest among the groups gnomAD compares: South Asian, 0.12%; no homozygotes.

Submissions (2):

Blueprint Genetics
Classification: Likely benign. Last evaluated: 2024-02-05. Review status: criteria provided, single submitter. Criteria: ACMG Guidelines, 2015. Collection method: clinical testing. Allele origin: germline.

Ambry Genetics
Classification: Uncertain significance for Inborn genetic diseases. Last evaluated: 2020-04-03. Review status: criteria provided, single submitter. Criteria: Ambry Variant Classification Scheme 2023. Collection method: clinical testing. Allele origin: germline.
Comment: The c.626-3C>T intronic variant results from a C to T substitution 3 nucleotides upstream from coding exon 5 in the DST gene. This nucleotide position is well conserved in available vertebrate species. Using the BDGP and ESEfinder splice site prediction tools, this alteration is not predicted to have any significant effect on the canonical splice acceptor site; however, direct evidence is unavailable. Since supporting evidence is limited at this time, the clinical significance of this alteration remains unclear.

NM_001374736.1(DST):c.626-3C>T

Gene: DST (dystonin; minus strand). Cytogenetic location: 6p12.1.
Variant type: single nucleotide variant.
Coding change: c.626-3C>T on transcript NM_001374736.1 (MANE Select); 3 bases into the intron before coding-DNA position 626, C replaced by T.
Molecular consequence: intron variant.
Genome position (GRCh38, 1-based): chr6:56,735,292, G>A on the plus strand (C>T on the coding strand, the complement: DST is on the minus strand). VCF-style: chr6-56735292-G-A. GRCh37 (hg19) VCF-style: chr6-56600090-G-A.
Other names: c.626-3C>T (NM_001144769.5, NM_001374722.1); c.653-3C>T (NM_001374734.1); c.212-3C>T (NM_001144770.2); c.92-3C>T (NM_001374730.1, NM_001386100.1, NM_183380.4 and 1 more transcripts).
Identifiers: ClinVar variation 1752504 (VCV001752504.3), dbSNP rs760452166, ClinGen allele CA3871879.